The following is an entry in ClinVar:

NM_001166108.2(PALLD):c.1965-12873C>T

Gene: PALLD (palladin, cytoskeletal associated protein; plus strand). Cytogenetic location: 4q32.3.
Variant type: single nucleotide variant.
Coding change: c.1965-12873C>T on transcript NM_001166108.2 (MANE Select); 12873 bases into the intron before coding-DNA position 1965, C replaced by T.
Molecular consequence: intron variant. On other transcripts: missense variant (1).
Genome position (GRCh38, 1-based): chr4:168,878,049, C>T. VCF-style: chr4-168878049-C-T. GRCh37 (hg19) VCF-style: chr4-169799200-C-T.
Other names: c.158C>T (NM_001166110.1); c.158C>T, p.Pro53Leu (NM_001166110.2); c.1965-12873C>T (NM_016081.4); c.819-12873C>T (NM_001166109.2); c.-157-12873C>T (NM_001367570.1, NM_001367568.1, NM_001367567.1 and 1 more transcripts); short protein forms P53L.
Identifiers: ClinVar variation 2724372 (VCV002724372.4), dbSNP rs980570701, ClinGen allele CA110515926.

ClinVar aggregate classification (germline): Uncertain significance. Review status: criteria provided, multiple submitters, no conflicts (2 of 4 stars). 2 submissions from 2 submitters: Uncertain significance (2). Last evaluated 2025-01-13.

Conditions:
Pancreatic adenocarcinoma. Identifiers: MedGen C0281361, MONDO:0006047, HP:0006725.

Allele frequency attached by ClinVar (database versions not stated): gnomAD 0.00001; gnomAD exomes 0.00001; TOPMed 0.00001.
gnomAD v4.1: 7 of 1,483,720 alleles (0.00047%); highest among the groups gnomAD compares: East Asian, 0.017%; no homozygotes.

Submissions (2):

Ambry Genetics
Classification: Uncertain significance. Last evaluated: 2025-01-13. Review status: criteria provided, single submitter. Criteria: Ambry Variant Classification Scheme 2023. Collection method: clinical testing. Allele origin: germline.
Comment: The p.P53L variant (also known as c.158C>T), located in coding exon 1 of the PALLD gene, results from a C to T substitution at nucleotide position 158. The proline at codon 53 is replaced by leucine, an amino acid with similar properties. This amino acid position is conserved. In addition, this alteration is predicted to be tolerated by in silico analysis. Based on the available evidence, the clinical significance of this variant remains unclear.

Labcorp Genetics (formerly Invitae), Labcorp
Classification: Uncertain significance for Pancreatic adenocarcinoma. Last evaluated: 2023-08-28. Review status: criteria provided, single submitter. Criteria: Invitae Variant Classification Sherloc (09022015). Collection method: clinical testing. Allele origin: germline.
Comment: An algorithm developed to predict the effect of missense changes on protein structure and function (PolyPhen-2) suggests that this variant is likely to be tolerated. In summary, the available evidence is currently insufficient to determine the role of this variant in disease. Therefore, it has been classified as a Variant of Uncertain Significance. This variant has not been reported in the literature in individuals affected with PALLD-related conditions. This variant is not present in population databases (gnomAD no frequency). This sequence change replaces proline, which is neutral and non-polar, with leucine, which is neutral and non-polar, at codon 53 of the PALLD protein (p.Pro53Leu).